The following is an entry in ClinVar:

ClinVar aggregate classification (germline): Uncertain significance (1 of 4 stars; one submission).

Allele frequency attached by ClinVar (database versions not stated): TOPMed 0.00002; gnomAD 0.00004; gnomAD exomes 0.00007; ExAC 0.00015; ESP Exome Variant Server 0.00015.
gnomAD v4.1: 113 of 1,613,550 alleles (0.007%); highest among the groups gnomAD compares: South Asian, 0.091%; no homozygotes.

Submission:

Labcorp Genetics (formerly Invitae), Labcorp
Classification: Uncertain significance. Last evaluated: 2024-11-05. Review status: criteria provided, single submitter. Criteria: Invitae Variant Classification Sherloc (09022015). Collection method: clinical testing. Allele origin: germline.
Comment: This sequence change replaces aspartic acid, which is acidic and polar, with glycine, which is neutral and non-polar, at codon 558 of the MMP9 protein (p.Asp558Gly). This variant is present in population databases (rs150224695, gnomAD 0.07%), and has an allele count higher than expected for a pathogenic variant. This variant has not been reported in the literature in individuals affected with MMP9-related conditions. ClinVar contains an entry for this variant (Variation ID: 2883500). Invitae Evidence Modeling of protein sequence and biophysical properties (such as structural, functional, and spatial information, amino acid conservation, physicochemical variation, residue mobility, and thermodynamic stability) indicates that this missense variant is not expected to disrupt MMP9 protein function with a negative predictive value of 80%. In summary, the available evidence is currently insufficient to determine the role of this variant in disease. Therefore, it has been classified as a Variant of Uncertain Significance.

NM_004994.3(MMP9):c.1673A>G (p.Asp558Gly)

Genes: MMP9 (matrix metallopeptidase 9; plus strand), SLC12A5-AS1 (SLC12A5 and MMP9 antisense RNA 1; minus strand). Cytogenetic location: 20q13.12.
Variant type: single nucleotide variant.
Coding change: c.1673A>G on transcript NM_004994.3 (MANE Select); coding-DNA position 1673, A replaced by G.
Protein change: p.Asp558Gly; replaces aspartic acid 558 with glycine.
Molecular consequence: missense variant. On other transcripts: non-coding transcript variant (1).
Genome position (GRCh38, 1-based): chr20:46,013,719, A>G. VCF-style: chr20-46013719-A-G. GRCh37 (hg19) VCF-style: chr20-44642358-A-G.
Other names: short protein forms D558G.
Identifiers: ClinVar variation 2883500 (VCV002883500.3), dbSNP rs150224695, ClinGen allele CA9886801.
Genomic context (GRCh38, chr20:46,013,719, plus strand): 5'-AGTACTGGCGATTCTCTGAGGGCAGGGGGAGCCGGCCGCAGGGCCCCTTCCTTATCGCCG[A>G]CAAGTGGCCCGCGCTGCCCCGCAAGCTGGACTCGGTCTTTGAGGAGCGGCTCTCCAAGAA-3'
Protein context (NP_004985.2, residues 548-568): SRPQGPFLIA[Asp558Gly]KWPALPRKLD